The following is an entry in ClinVar:

ClinVar aggregate classification (germline): Uncertain significance. Review status: criteria provided, multiple submitters, no conflicts (2 of 4 stars). 2 submissions from 2 submitters: Uncertain significance (2). Last evaluated 2022-12-18.

Allele frequency attached by ClinVar (database versions not stated): gnomAD 0.00002; TOPMed 0.00002; gnomAD exomes 0.00002; 1000 Genomes Project 0.00020; ExAC 0.00002; 1000 Genomes Project 30x 0.00016.
gnomAD v4.1: 16 of 1,557,784 alleles (0.001%); highest among the groups gnomAD compares: African/African-American, 0.0084%; no homozygotes.

Submissions (2):

Labcorp Genetics (formerly Invitae), Labcorp
Classification: Uncertain significance. Last evaluated: 2022-12-18. Review status: criteria provided, single submitter. Criteria: Invitae Variant Classification Sherloc (09022015). Collection method: clinical testing. Allele origin: germline.
Comment: In summary, the available evidence is currently insufficient to determine the role of this variant in disease. Therefore, it has been classified as a Variant of Uncertain Significance. Algorithms developed to predict the effect of missense changes on protein structure and function output the following: SIFT: "Deleterious"; PolyPhen-2: "Possibly Damaging"; Align-GVGD: "Class C0". The tryptophan amino acid residue is found in multiple mammalian species, which suggests that this missense change does not adversely affect protein function. This variant has not been reported in the literature in individuals affected with TNK2-related conditions. This variant is present in population databases (rs568369528, gnomAD 0.01%). This sequence change replaces arginine, which is basic and polar, with tryptophan, which is neutral and slightly polar, at codon 21 of the TNK2 protein (p.Arg21Trp).

Ambry Genetics
Classification: Uncertain significance. Last evaluated: 2022-03-21. Review status: criteria provided, single submitter. Criteria: Ambry Variant Classification Scheme 2023. Collection method: clinical testing. Allele origin: germline.

NM_001382273.1(TNK2):c.-18-6750C>T

Gene: TNK2 (tyrosine kinase non receptor 2; minus strand). Cytogenetic location: 3q29.
Variant type: single nucleotide variant.
Coding change: c.-18-6750C>T on transcript NM_001382273.1 (MANE Select); 6750 bases into the intron before 18 bases upstream of the start codon, C replaced by T.
Molecular consequence: intron variant.
Genome position (GRCh38, 1-based): chr3:195,895,356, G>A on the plus strand (C>T on the coding strand, the complement: TNK2 is on the minus strand). VCF-style: chr3-195895356-G-A. GRCh37 (hg19) VCF-style: chr3-195622227-G-A.
Other names: c.-19+539C>T (NM_001387712.1, NM_001387718.1, NM_001382274.1 and 2 more transcripts); c.-18-6750C>T (NM_001386164.1, NM_001387717.1, NM_001387720.1 and 1 more transcripts); c.-19+1811C>T (NM_001387714.1); c.-19+1387C>T (NM_001387711.1); c.-19+697C>T (NM_001387721.1, NM_001387710.1); short protein forms R21W.
Identifiers: ClinVar variation 2206131 (VCV002206131.5), dbSNP rs568369528, ClinGen allele CA2777133.